The following is an entry in ClinVar:

NM_001164508.2(NEB):c.21504del (p.Asn7169fs)

Genes: NEB (nebulin; minus strand), RIF1 (replication timing regulatory factor 1; plus strand). Cytogenetic location: 2q23.3.
Variant type: Deletion.
Coding change: c.21504del on transcript NM_001164508.2 (MANE Select); coding-DNA position 21504, one base deleted (C; older notation c.21504delC).
Protein change: p.Asn7169fs; shifts the reading frame from asparagine 7169.
Molecular consequence: frameshift variant.
Genome position (GRCh38, 1-based): chr2:151,531,810, G deleted on the plus strand (C on the coding strand, the reverse complement: NEB is on the minus strand). VCF-style (leftmost placement, unchanged base first): chr2-151531809-TG-T. GRCh37 (hg19) VCF-style: chr2-152388323-TG-T.
Other names: NM_001164508.2(NEB):c.21504del; p.Asn7169fs; c.21504del, p.Asn7169fs (NM_001164507.2); c.21609del, p.Asn7204fs (NM_001271208.2); c.16401del, p.Asn5468fs (NM_004543.5); short protein forms N5468fs, N7204fs, N7169fs.
Identifiers: ClinVar variation 533964 (VCV000533964.7), dbSNP rs934955715, ClinGen allele CA57633137.

ClinVar aggregate classification (germline): Pathogenic/Likely pathogenic. Review status: criteria provided, multiple submitters, no conflicts (2 of 4 stars). 2 submissions from 2 submitters: Pathogenic (1); Likely pathogenic (1). Last evaluated 2025-03-04.

Conditions:
Nemaline myopathy. Also called: Myopathies, Nemaline. Identifiers: Orphanet 607, MedGen C0206157, MONDO:0018958.
Nemaline myopathy 2 (NEM2). Also called: Nemaline myopathy 2, autosomal recessive. Identifiers: MedGen C1850569, MONDO:0009725, OMIM 256030.

Allele frequency attached by ClinVar (database versions not stated): gnomAD exomes below 0.00001; TOPMed below 0.00001; gnomAD 0.00003.

Submissions (2):

Broad Center for Mendelian Genomics, Broad Institute of MIT and Harvard
Classification: Likely pathogenic for Nemaline myopathy. Last evaluated: 2025-03-04. Review status: criteria provided, single submitter. Criteria: ACMG Guidelines, 2015. Collection method: curation. Allele origin: germline. Inheritance: Autosomal recessive inheritance.
Comment: The p.Asn7169ThrfsTer43 variant in NEB has not been previously reported in the literature in individuals with nemaline myopathy, but has been identified in 0.003% (2/75036) of African/African American chromosomes by the Genome Aggregation Database (gnomAD; dbSNP ID: rs934955715). Although this variant has been seen in the general population in a heterozygous state, its frequency is low enough to be consistent with a recessive carrier frequency. This variant has also been reported in ClinVar (Variation ID: 533964) and has been interpreted as pathogenic by Invitae. This variant is predicted to cause a frameshift, which alters the protein‚Äôs amino acid sequence beginning at position 7169 and leads to a premature termination codon 43 amino acids downstream. This alteration is then predicted to lead to a truncated or absent protein. Loss of function of the NEB gene is an established disease mechanism in autosomal recessive nemaline myopathy. In summary, although additional studies are required to fully establish its clinical significance, this variant is likely pathogenic for autosomal recessive nemaline myopathy. ACMG/AMP Criteria applied: PVS1, PM2_supporting (Richards 2015).

Labcorp Genetics (formerly Invitae), Labcorp
Classification: Pathogenic for Nemaline myopathy 2. Last evaluated: 2023-01-26. Review status: criteria provided, single submitter. Criteria: Invitae Variant Classification Sherloc (09022015). Collection method: clinical testing. Allele origin: germline.
Comment: For these reasons, this variant has been classified as Pathogenic. ClinVar contains an entry for this variant (Variation ID: 533964). This variant has not been reported in the literature in individuals affected with NEB-related conditions. This variant is present in population databases (no rsID available, gnomAD 0.01%). This sequence change creates a premature translational stop signal (p.Asn7204Thrfs*43) in the NEB gene. It is expected to result in an absent or disrupted protein product. Loss-of-function variants in NEB are known to be pathogenic (PMID: 25205138).

Literature cited by the submitters: PubMed 25205138 (cited by Labcorp Genetics (formerly Invitae), Labcorp).